The following is an entry in ClinVar:

ClinVar aggregate classification (germline): Uncertain significance (1 of 4 stars; one submission).

Conditions:
Hereditary cancer-predisposing syndrome. Also called: Neoplastic Syndromes, Hereditary; Tumor predisposition; Hereditary Cancer Syndrome; Hereditary neoplastic syndrome. Identifiers: Orphanet 140162, MedGen C0027672, MeSH D009386, MONDO:0015356.

Submission:

Ambry Genetics
Classification: Uncertain significance for Hereditary cancer-predisposing syndrome. Last evaluated: 2025-11-07. Review status: criteria provided, single submitter. Criteria: Ambry Variant Classification Scheme 2023. Collection method: clinical testing. Allele origin: germline.
Comment: The c.2457_2462delAGAAAA variant (also known as p.K819_E820del) is located in coding exon 5 of the PALB2 gene. This variant results from an in-frame AGAAAA deletion at nucleotide positions 2457 to 2462. This results in the in-frame deletion of two amino acids at codon 819. This amino acid region is poorly conserved in available vertebrate species. In addition, this variant is predicted to be deleterious by in silico analysis (Choi Y et al. PLoS ONE. 2012; 7(10):e46688).Based on the available evidence, the clinical significance of this variant remains unclear.

NM_024675.4(PALB2):c.2457_2462del (p.Lys819_Glu820del)

Gene: PALB2 (partner and localizer of BRCA2; minus strand). Cytogenetic location: 16p12.2.
Variant type: Deletion.
Coding change: c.2457_2462del on transcript NM_024675.4 (MANE Select); coding-DNA positions 2457 to 2462, 6 bases deleted (AGAAAA; older notation c.2457_2462delAGAAAA).
Protein change: p.Lys819_Glu820del.
Molecular consequence: inframe deletion. On other transcripts: intron variant (1), inframe indel (1).
Genome position (GRCh38, 1-based): chr16:23,629,692-23,629,697, TTTTCT deleted on the plus strand (AGAAAA on the coding strand, the reverse complement: PALB2 is on the minus strand); deleting any 6 consecutive bases within chr16:23,629,692-23,629,699 gives the same sequence; the c. name uses the placement nearest the transcript's 3' end. VCF-style (leftmost placement, unchanged base first): chr16-23629691-ATTTTCT-A. GRCh37 (hg19) VCF-style: chr16-23641012-ATTTTCT-A.
Other names: c.2397_2402del, p.Lys799_Glu800del (NM_001407296.1); c.2457_2462del, p.Lys819_Glu820del (NM_001407297.1, NM_001407298.1, NM_001407299.1 and 3 more transcripts); c.1572_1577del, p.Lys524_Glu525del (NM_001407304.1, NM_001407305.1, NM_001407306.1 and 5 more transcripts); c.669_674del, p.Lys223_Glu224del (NM_001407312.1, NM_001407313.1); c.49-422_49-417del (NM_001407314.1); c.2457_2462delAGAAAA (NM_024675.3).
Identifiers: ClinVar variation 4663920 (VCV004663920.1).